The following is an entry in ClinVar:

ClinVar aggregate classification (germline): Pathogenic (1 of 4 stars; one submission).

Conditions:
Retinoblastoma (RB1). Also called: RETINOBLASTOMA, SOMATIC. Identifiers: Orphanet 790, MedGen C0035335, MeSH D012175, MONDO:0008380, OMIM 180200, HP:0009919. Disease mechanism: loss of function. Inheritance: Both sporadic and heritable forms are tested..

Submission:

Genetic Diagnostic Laboratory, University of Pennsylvania School of Medicine
Classification: Pathogenic for Retinoblastoma. Last evaluated: 2024-05-20. Review status: criteria provided, single submitter. Criteria: ACMG Guidelines, 2015. Collection method: clinical testing. Allele origin: germline. Affected: yes. Observed: 1 variant allele.
Comment: Case and Pedigree Information: BILATERAL CASES:1, UNILATERAL CASES:0, TOTAL CASES:1, PEDIGREES:1. ACMG Codes Applied:PVS1, PM2

NM_000321.3(RB1):c.265G>T (p.Gly89Ter)

Gene: RB1 (RB transcriptional corepressor 1; plus strand). Cytogenetic location: 13q14.2.
Variant type: single nucleotide variant.
Coding change: c.265G>T on transcript NM_000321.3 (MANE Select); coding-DNA position 265, G replaced by T.
Protein change: p.Gly89Ter; replaces glycine 89 with a stop codon.
Molecular consequence: nonsense.
Genome position (GRCh38, 1-based): chr13:48,342,599, G>T. VCF-style: chr13-48342599-G-T. GRCh37 (hg19) VCF-style: chr13-48916735-G-T.
Other names: c.265G>T, p.Gly89Ter (NM_001407165.1, NM_001407166.1); short protein forms G89*.
Identifiers: ClinVar variation 3237117 (VCV003237117.1), dbSNP rs1952455387.